The following is an entry in ClinVar:

NM_002497.4(NEK2):c.645A>T (p.Pro215=)

Gene: NEK2 (NIMA related kinase 2; minus strand). Cytogenetic location: 1q32.3.
Variant type: single nucleotide variant.
Coding change: c.645A>T on transcript NM_002497.4 (MANE Select); coding-DNA position 645, A replaced by T.
Protein change: p.Pro215=; no amino-acid change (proline 215 retained).
Molecular consequence: synonymous variant.
Genome position (GRCh38, 1-based): chr1:211,670,401, T>A on the plus strand (A>T on the coding strand, the complement: NEK2 is on the minus strand). VCF-style: chr1-211670401-T-A. GRCh37 (hg19) VCF-style: chr1-211843743-T-A.
Other names: c.645A>T, p.Pro215= (NM_001204182.2, NM_001204183.2).
Identifiers: ClinVar variation 3611098 (VCV003611098.2).

ClinVar aggregate classification (germline): Uncertain significance (1 of 4 stars; one submission).

Submission:

Labcorp Genetics (formerly Invitae), Labcorp
Classification: Uncertain significance. Last evaluated: 2024-12-31. Review status: criteria provided, single submitter. Criteria: Invitae Variant Classification Sherloc (09022015). Collection method: clinical testing. Allele origin: germline.
Comment: This sequence change affects codon 215 of the NEK2 mRNA. It is a 'silent' change, meaning that it does not change the encoded amino acid sequence of the NEK2 protein. This variant is present in population databases (no rsID available, gnomAD 0.003%). This variant has not been reported in the literature in individuals affected with NEK2-related conditions. Algorithms developed to predict the effect of sequence changes on RNA splicing suggest that this variant may disrupt the consensus splice site. In summary, the available evidence is currently insufficient to determine the role of this variant in disease. Therefore, it has been classified as a Variant of Uncertain Significance.